The following is an entry in ClinVar:

NM_024548.4(CEP97):c.1597A>G (p.Thr533Ala)

Gene: CEP97 (centrosomal protein 97; plus strand). Cytogenetic location: 3q12.3.
Variant type: single nucleotide variant.
Coding change: c.1597A>G on transcript NM_024548.4 (MANE Select); coding-DNA position 1597, A replaced by G.
Protein change: p.Thr533Ala; replaces threonine 533 with alanine.
Molecular consequence: missense variant.
Genome position (GRCh38, 1-based): chr3:101,758,203, A>G. VCF-style: chr3-101758203-A-G. GRCh37 (hg19) VCF-style: chr3-101477047-A-G.
Other names: c.1420A>G, p.Thr474Ala (NM_001303401.2); c.1495A>G, p.Thr499Ala (NM_001410784.1); c.1318A>G, p.Thr440Ala (NM_001410785.1); short protein forms T440A, T474A, T499A, T533A.
Identifiers: ClinVar variation 3619974 (VCV003619974.2).

ClinVar aggregate classification (germline): Uncertain significance (1 of 4 stars; one submission).

Submission:

Labcorp Genetics (formerly Invitae), Labcorp
Classification: Uncertain significance. Last evaluated: 2024-06-10. Review status: criteria provided, single submitter. Criteria: Invitae Variant Classification Sherloc (09022015). Collection method: clinical testing. Allele origin: germline.
Comment: This sequence change replaces threonine, which is neutral and polar, with alanine, which is neutral and non-polar, at codon 533 of the CEP97 protein (p.Thr533Ala). This variant is present in population databases (no rsID available, gnomAD 0.002%). This variant has not been reported in the literature in individuals affected with CEP97-related conditions. Advanced modeling of protein sequence and biophysical properties (such as structural, functional, and spatial information, amino acid conservation, physicochemical variation, residue mobility, and thermodynamic stability) performed at Invitae indicates that this missense variant is not expected to disrupt CEP97 protein function with a negative predictive value of 80%. In summary, the available evidence is currently insufficient to determine the role of this variant in disease. Therefore, it has been classified as a Variant of Uncertain Significance.